The following is an entry in ClinVar:

ClinVar aggregate classification (germline): Uncertain significance (1 of 4 stars; one submission).

Allele frequency attached by ClinVar (database versions not stated): ExAC 0.00001; gnomAD 0.00001.
gnomAD v4.1: 10 of 1,614,080 alleles (0.00062%); highest among the groups gnomAD compares: African/African-American, 0.0053%; no homozygotes.

Submission:

Labcorp Genetics (formerly Invitae), Labcorp
Classification: Uncertain significance. Last evaluated: 2022-05-03. Review status: criteria provided, single submitter. Criteria: Invitae Variant Classification Sherloc (09022015). Collection method: clinical testing. Allele origin: germline.
Comment: This sequence change replaces aspartic acid, which is acidic and polar, with asparagine, which is neutral and polar, at codon 1425 of the ERCC6 protein (p.Asp1425Asn). This variant is present in population databases (rs773851299, gnomAD 0.01%). This variant has not been reported in the literature in individuals affected with ERCC6-related conditions. Algorithms developed to predict the effect of missense changes on protein structure and function are either unavailable or do not agree on the potential impact of this missense change (SIFT: "Deleterious"; PolyPhen-2: "Probably Damaging"; Align-GVGD: "Class C15"). Experimental studies have shown that this missense change affects ERCC6 function (PMID: 33806087). In summary, the available evidence is currently insufficient to determine the role of this variant in disease. Therefore, it has been classified as a Variant of Uncertain Significance.

Literature cited by the submitters: PubMed 33806087.

NM_000124.4(ERCC6):c.4273G>A (p.Asp1425Asn)

Gene: ERCC6 (ERCC excision repair 6, chromatin remodeling factor; minus strand). Cytogenetic location: 10q11.23.
Variant type: single nucleotide variant.
Coding change: c.4273G>A on transcript NM_000124.4 (MANE Select); coding-DNA position 4273, G replaced by A.
Protein change: p.Asp1425Asn; replaces aspartic acid 1425 with asparagine.
Molecular consequence: missense variant.
Genome position (GRCh38, 1-based): chr10:49,459,024, C>T on the plus strand (G>A on the coding strand, the complement: ERCC6 is on the minus strand). VCF-style: chr10-49459024-C-T. GRCh37 (hg19) VCF-style: chr10-50667070-C-T.
Other names: c.4273G>A, p.Asp1425Asn (NM_001346440.2); short protein forms D1425N.
Identifiers: ClinVar variation 2164392 (VCV002164392.1), dbSNP rs773851299, ClinGen allele CA5495139.